The following is an entry in ClinVar:

ClinVar aggregate classification (germline): Uncertain significance. Review status: criteria provided, multiple submitters, no conflicts (2 of 4 stars). 2 submissions from 2 submitters: Uncertain significance (2). Last evaluated 2025-05-11.

Submissions (2):

Ambry Genetics
Classification: Uncertain significance. Last evaluated: 2025-05-11. Review status: criteria provided, single submitter. Criteria: Ambry Variant Classification Scheme 2023. Collection method: clinical testing. Allele origin: germline.
Comment: The p.A585T variant (also known as c.1753G>A), located in coding exon 12 of the RINT1 gene, results from a G to A substitution at nucleotide position 1753. The alanine at codon 585 is replaced by threonine, an amino acid with similar properties. This amino acid position is conserved. In addition, this alteration is predicted to be tolerated by in silico analysis. Since supporting evidence is limited at this time, the clinical significance of this alteration remains unclear.

Labcorp Genetics (formerly Invitae), Labcorp
Classification: Uncertain significance. Last evaluated: 2024-12-08. Review status: criteria provided, single submitter. Criteria: Invitae Variant Classification Sherloc (09022015). Collection method: clinical testing. Allele origin: germline.
Comment: This sequence change replaces alanine, which is neutral and non-polar, with threonine, which is neutral and polar, at codon 585 of the RINT1 protein (p.Ala585Thr). This variant is not present in population databases (gnomAD no frequency). This variant has not been reported in the literature in individuals affected with RINT1-related conditions. ClinVar contains an entry for this variant (Variation ID: 1779434). An algorithm developed to predict the effect of missense changes on protein structure and function (PolyPhen-2) suggests that this variant is likely to be disruptive. In summary, the available evidence is currently insufficient to determine the role of this variant in disease. Therefore, it has been classified as a Variant of Uncertain Significance.

NM_021930.6(RINT1):c.1753G>A (p.Ala585Thr)

Gene: RINT1 (RAD50 interactor 1; plus strand). Cytogenetic location: 7q22.3.
Variant type: single nucleotide variant.
Coding change: c.1753G>A on transcript NM_021930.6 (MANE Select); coding-DNA position 1753, G replaced by A.
Protein change: p.Ala585Thr; replaces alanine 585 with threonine.
Molecular consequence: missense variant. On other transcripts: non-coding transcript variant (1).
Genome position (GRCh38, 1-based): chr7:105,563,814, G>A. VCF-style: chr7-105563814-G-A. GRCh37 (hg19) VCF-style: chr7-105204261-G-A.
Other names: c.1519G>A, p.Ala507Thr (NM_001346599.2); c.730G>A, p.Ala244Thr (NM_001346600.2, NM_001346603.2); c.829G>A, p.Ala277Thr (NM_001346601.2); short protein forms A277T, A585T, A244T, A507T.
Identifiers: ClinVar variation 1779434 (VCV001779434.8), dbSNP rs2485175683, ClinGen allele CA368813761.